The following is an entry in ClinVar:

ClinVar aggregate classification (germline): Uncertain significance (1 of 4 stars; one submission).

Conditions:
Hereditary spastic paraplegia 6 (SPG6). Also called: SPASTIC PARAPLEGIA 6, AUTOSOMAL DOMINANT. Identifiers: Orphanet 100988, MedGen C1838192, MONDO:0010878, OMIM 600363.

gnomAD v4.1: 18 of 1,614,178 alleles (0.0011%); highest among the groups gnomAD compares: South Asian, 0.011%; no homozygotes.

Submission:

Labcorp Genetics (formerly Invitae), Labcorp
Classification: Uncertain significance for Hereditary spastic paraplegia 6. Last evaluated: 2024-04-03. Review status: criteria provided, single submitter. Criteria: Invitae Variant Classification Sherloc (09022015). Collection method: clinical testing. Allele origin: germline.
Comment: This sequence change replaces isoleucine, which is neutral and non-polar, with valine, which is neutral and non-polar, at codon 216 of the NIPA1 protein (p.Ile216Val). This variant is present in population databases (rs772180776, gnomAD 0.006%). This variant has not been reported in the literature in individuals affected with NIPA1-related conditions. An algorithm developed to predict the effect of missense changes on protein structure and function (PolyPhen-2) suggests that this variant is likely to be tolerated. In summary, the available evidence is currently insufficient to determine the role of this variant in disease. Therefore, it has been classified as a Variant of Uncertain Significance.

NM_144599.5(NIPA1):c.646A>G (p.Ile216Val)

Gene: NIPA1 (NIPA magnesium transporter 1; plus strand). Cytogenetic location: 15q11.2.
Variant type: single nucleotide variant.
Coding change: c.646A>G on transcript NM_144599.5 (MANE Select); coding-DNA position 646, A replaced by G.
Protein change: p.Ile216Val; replaces isoleucine 216 with valine.
Molecular consequence: missense variant.
Genome position (GRCh38, 1-based): chr15:22,823,895, A>G. VCF-style: chr15-22823895-A-G. GRCh37 (hg19) VCF-style: chr15-23049173-T-C.
Other names: c.421A>G, p.Ile141Val (NM_001142275.1); short protein forms I216V, I141V.
Identifiers: ClinVar variation 3709386 (VCV003709386.2).
Genomic context (GRCh38, chr15:22,823,895, plus strand): 5'-TCCTTGCTGGGCAGTTTCACCGTGCCTTCCACCAAGGGCATCGGGCTGGCGGCCCAAGAC[A>G]TCTTGCATAACAACCCGTCCAGTCAGAGAGCCCTCTGCCTGTGCCTGGTACTCCTGGCCG-3'
Protein context (NP_653200.2, residues 206-226): TKGIGLAAQD[Ile216Val]LHNNPSSQRA